The following is an entry in ClinVar:

NM_000198.4(HSD3B2):c.637A>G (p.Ser213Gly)

Gene: HSD3B2 (hydroxy-delta-5-steroid dehydrogenase, 3 beta- and steroid delta-isomerase 2; plus strand). Cytogenetic location: 1p12.
Variant type: single nucleotide variant.
Coding change: c.637A>G on transcript NM_000198.4 (MANE Select); coding-DNA position 637, A replaced by G.
Protein change: p.Ser213Gly; replaces serine 213 with glycine.
Molecular consequence: missense variant.
Genome position (GRCh38, 1-based): chr1:119,422,138, A>G. VCF-style: chr1-119422138-A-G. GRCh37 (hg19) VCF-style: chr1-119964761-A-G.
Other names: c.637A>G, p.Ser213Gly (NM_001166120.2); short protein forms S213G.
Identifiers: ClinVar variation 3336416 (VCV003336416.1).

ClinVar aggregate classification (germline): Uncertain significance (1 of 4 stars; one submission).

gnomAD v4.1: 8 of 1,613,954 alleles (0.0005%); highest among the groups gnomAD compares: Non-Finnish European, 0.00068%; no homozygotes.

Submission:

Women's Health and Genetics/Laboratory Corporation of America, LabCorp
Classification: Uncertain significance. Last evaluated: 2024-05-23. Review status: criteria provided, single submitter. Criteria: LabCorp Variant Classification Summary - May 2015. Collection method: clinical testing. Allele origin: germline.
Comment: Variant summary: HSD3B2 c.637A>G (p.Ser213Gly) results in a non-conservative amino acid change located in the 3-beta hydroxysteroid dehydrogenase/isomerase domain (IPR002225) of the encoded protein sequence. Four of five in-silico tools predict a benign effect of the variant on protein function. The variant allele was found at a frequency of 2e-05 in 251216 control chromosomes (gnomAD). The available data on variant occurrences in the general population are insufficient to allow any conclusion about variant significance. c.637A>G has been reported in the literature in an individual affected with 3 beta-hydroxysteroid dehydrogenase deficiency (Moisan_1999). These data do not allow any conclusion about variant significance. Publications report experimental evidence evaluating an impact on protein function (Moisan_1999, Simhard_2000). The most pronounced variant effect results in >50%-90% of normal activity. The following publications have been ascertained in the context of this evaluation (PMID: 10599696, 11196452). No submitters have cited clinical-significance assessments for this variant to ClinVar. Based on the evidence outlined above, the variant was classified as uncertain significance.

Literature cited by the submitters: PubMed 11196452; PubMed 10599696.